The following is an entry in ClinVar:

NM_001558.4(IL10RA):c.1072G>A (p.Asp358Asn)

Gene: IL10RA (interleukin 10 receptor subunit alpha; plus strand). Cytogenetic location: 11q23.3.
Variant type: single nucleotide variant.
Coding change: c.1072G>A on transcript NM_001558.4 (MANE Select); coding-DNA position 1072, G replaced by A.
Protein change: p.Asp358Asn; replaces aspartic acid 358 with asparagine.
Molecular consequence: missense variant. On other transcripts: non-coding transcript variant (1).
Genome position (GRCh38, 1-based): chr11:117,998,976, G>A. VCF-style: chr11-117998976-G-A. GRCh37 (hg19) VCF-style: chr11-117869691-G-A.
Other names: short protein forms D358N.
Identifiers: ClinVar variation 538053 (VCV000538053.45), dbSNP rs78753252, ClinGen allele CA6299115.

ClinVar aggregate classification (germline): Conflicting classifications of pathogenicity. Review status: criteria provided, conflicting classifications (1 of 4 stars). 8 submissions from 8 submitters: Uncertain significance (4); Likely benign (2). 2 of the submissions do not count toward it. Last evaluated 2025-07-29.

Conditions:
Inflammatory bowel disease 28. Also called: Inflammatory bowel disease 28, early onset, autosomal recessive. Identifiers: Orphanet 238569, MedGen C2751053, MONDO:0013153, OMIM 613148.
IL10RA-related disorder. Also called: IL10RA-related condition.

Allele frequency attached by ClinVar (database versions not stated): 1000 Genomes Project 0.00020; 1000 Genomes Project 30x 0.00031; gnomAD exomes 0.00048; ExAC 0.00051; TOPMed 0.00053; ESP Exome Variant Server 0.00062; gnomAD 0.00062 and 0.00066.

Submissions (8):

PreventionGenetics, part of Exact Sciences
Classification: Uncertain significance for IL10RA-related condition. Last evaluated: 2025-07-29. Review status: criteria provided, single submitter. Criteria: ACMG Guidelines, 2015. Collection method: clinical testing. Allele origin: germline.
Comment: The IL10RA c.1072G>A variant is predicted to result in the amino acid substitution p.Asp358Asn. This variant was reported in the heterozygous state in an individual with familial Mediterranean fever (Bozgeyik et al. 2020. PubMed ID: 32199921). This variant is reported in 0.11% of alleles in individuals of European (Non-Finnish) descent in gnomAD. At this time, the clinical significance of this variant is uncertain due to the absence of conclusive functional and genetic evidence.

Blueprint Genetics
Classification: Likely benign. Last evaluated: 2024-10-17. Review status: criteria provided, single submitter. Criteria: ACMG Guidelines, 2015. Collection method: clinical testing. Allele origin: germline.

Labcorp Genetics (formerly Invitae), Labcorp
Classification: Uncertain significance for Inflammatory bowel disease 28. Last evaluated: 2022-10-17. Review status: criteria provided, single submitter. Criteria: Invitae Variant Classification Sherloc (09022015). Collection method: clinical testing. Allele origin: germline.
Comment: This sequence change replaces aspartic acid, which is acidic and polar, with asparagine, which is neutral and polar, at codon 358 of the IL10RA protein (p.Asp358Asn). This variant is present in population databases (rs78753252, gnomAD 0.1%), and has an allele count higher than expected for a pathogenic variant. This variant has not been reported in the literature in individuals affected with IL10RA-related conditions. ClinVar contains an entry for this variant (Variation ID: 538053). Advanced modeling of protein sequence and biophysical properties (such as structural, functional, and spatial information, amino acid conservation, physicochemical variation, residue mobility, and thermodynamic stability) performed at Invitae indicates that this missense variant is not expected to disrupt IL10RA protein function. In summary, the available evidence is currently insufficient to determine the role of this variant in disease. Therefore, it has been classified as a Variant of Uncertain Significance.

CeGaT Center for Human Genetics Tuebingen
Classification: Likely benign. Last evaluated: 2022-10-01. Review status: criteria provided, single submitter. Criteria: CeGaT Center For Human Genetics Tuebingen Variant Classification Criteria Version 2. Collection method: clinical testing. Allele origin: germline. Affected: yes. Observed: 3 variant alleles.
Comment: IL10RA: BP4

GeneDx
Classification: Uncertain significance. Last evaluated: 2019-05-20. Review status: criteria provided, single submitter. Criteria: GeneDx Variant Classification Process June 2021. Collection method: clinical testing. Allele origin: germline. Affected: yes.
Comment: In silico analysis, which includes protein predictors and evolutionary conservation, supports that this variant does not alter protein structure/function; Has not been previously published as pathogenic or benign to our knowledge; This variant is associated with the following publications: (PMID: 32199921)

Illumina Laboratory Services, Illumina
Classification: Uncertain significance for Inflammatory bowel disease 28. Last evaluated: 2018-01-12. Review status: criteria provided, single submitter. Criteria: ICSL Variant Classification Criteria 13 December 2019. Collection method: clinical testing. Allele origin: germline.

Clinical Genetics DNA and cytogenetics Diagnostics Lab, Erasmus MC, Erasmus Medical Center
Classification: Likely benign. Review status: no assertion criteria provided. Collection method: clinical testing. Allele origin: germline. Affected: yes. Study: VKGL Data-share Consensus. Not counted in ClinVar's aggregate classification.

Genome Diagnostics Laboratory, University Medical Center Utrecht
Classification: Likely benign. Review status: no assertion criteria provided. Collection method: clinical testing. Allele origin: germline. Affected: yes. Study: VKGL Data-share Consensus. Not counted in ClinVar's aggregate classification.